The following is an entry in ClinVar:

ClinVar aggregate classification (germline): Uncertain significance (1 of 4 stars; one submission).

Conditions:
Inborn genetic diseases. Identifiers: MedGen C0950123, MeSH D030342.

Submission:

Ambry Genetics
Classification: Uncertain significance for Inborn genetic diseases. Last evaluated: 2025-02-16. Review status: criteria provided, single submitter. Criteria: Ambry Variant Classification Scheme 2023. Collection method: clinical testing. Allele origin: germline.
Comment: The p.M364V variant (also known as c.1090A>G), located in coding exon 6 of the ERCC6L2 gene, results from an A to G substitution at nucleotide position 1090. The methionine at codon 364 is replaced by valine, an amino acid with highly similar properties. This amino acid position is conserved. In addition, the in silico prediction for this alteration is inconclusive. Based on the available evidence, the clinical significance of this variant remains unclear.

NM_020207.7(ERCC6L2):c.1090A>G (p.Met364Val)

Gene: ERCC6L2 (ERCC excision repair 6 like 2; plus strand). Cytogenetic location: 9q22.32.
Variant type: single nucleotide variant.
Coding change: c.1090A>G on transcript NM_020207.7 (MANE Select); coding-DNA position 1090, A replaced by G.
Protein change: p.Met364Val; replaces methionine 364 with valine.
Molecular consequence: missense variant. On other transcripts: non-coding transcript variant (1).
Genome position (GRCh38, 1-based): chr9:95,916,366, A>G. VCF-style: chr9-95916366-A-G. GRCh37 (hg19) VCF-style: chr9-98678648-A-G.
Other names: c.1090A>G, p.Met364Val (NM_001010895.4, NM_001375291.1, NM_001375292.1 and 2 more transcripts); short protein forms M364V.
Identifiers: ClinVar variation 3845942 (VCV003845942.1).
Genomic context (GRCh38, chr9:95,916,366, plus strand): 5'-ACGGCAACAAAGAGAGAACTAGCCACTGGCCGAAAGGCCATGCAAAGACTTGCCAAAAAG[A>G]TGTCTGGCTGGTTTCTCAGGCGCACCAAGACTCTTATCAAGGATCAGTTGCCTAAGAAGG-3'
Protein context (NP_064592.3, residues 354-374): RKAMQRLAKK[Met364Val]SGWFLRRTKT